The following is an entry in ClinVar:

ClinVar aggregate classification (germline): Conflicting classifications of pathogenicity. Review status: criteria provided, conflicting classifications (1 of 4 stars). 6 submissions from 6 submitters: Uncertain significance (1); Benign (2); Likely benign (3). Last evaluated 2026-02-03.

Conditions:
Hereditary spastic paraplegia 48. Also called: Spastic paraplegia 48; SPASTIC PARAPLEGIA 48, AUTOSOMAL RECESSIVE. Identifiers: Orphanet 306511, MedGen C3150901, MONDO:0013342, OMIM 613647.

Allele frequency attached by ClinVar (database versions not stated): gnomAD exomes 0.00030; 1000 Genomes Project 30x 0.00219; 1000 Genomes Project 0.00260; gnomAD 0.00321; TOPMed 0.00376; ESP Exome Variant Server 0.00445.
gnomAD v4.1: 914 of 1,613,848 alleles (0.057%); highest among the groups gnomAD compares: African/African-American, 1%; 4 homozygotes.

Submissions (6):

Labcorp Genetics (formerly Invitae), Labcorp
Classification: Benign for Hereditary spastic paraplegia 48. Last evaluated: 2026-02-03. Review status: criteria provided, single submitter. Criteria: Invitae Variant Classification Sherloc (09022015). Collection method: clinical testing. Allele origin: germline.

CeGaT Center for Human Genetics Tuebingen
Classification: Likely benign. Last evaluated: 2025-04-01. Review status: criteria provided, single submitter. Criteria: CeGaT Center For Human Genetics Tuebingen Variant Classification Criteria Version 2. Collection method: clinical testing. Allele origin: germline. Affected: yes. Observed: 1 variant allele.
Comment: AP5Z1: BP4, BP7

Blueprint Genetics
Classification: Likely benign. Last evaluated: 2024-11-14. Review status: criteria provided, single submitter. Criteria: ACMG Guidelines, 2015. Collection method: clinical testing. Allele origin: germline.

GeneDx
Classification: Likely benign. Last evaluated: 2021-05-07. Review status: criteria provided, single submitter. Criteria: GeneDx Variant Classification Process June 2021. Collection method: clinical testing. Allele origin: germline. Affected: yes.

Illumina Laboratory Services, Illumina
Classification: Uncertain significance for Hereditary spastic paraplegia 48. Last evaluated: 2018-01-13. Review status: criteria provided, single submitter. Criteria: ICSL Variant Classification Criteria 13 December 2019. Collection method: clinical testing. Allele origin: germline.

Athena Diagnostics
Classification: Benign. Last evaluated: 2016-12-16. Review status: criteria provided, single submitter. Criteria: Athena Diagnostics Criteria. Collection method: clinical testing. Allele origin: germline.

NM_014855.3(AP5Z1):c.126C>T (p.Leu42=)

Gene: AP5Z1 (adaptor related protein complex 5 subunit zeta 1; plus strand). Cytogenetic location: 7p22.1.
Variant type: single nucleotide variant.
Coding change: c.126C>T on transcript NM_014855.3 (MANE Select); coding-DNA position 126, C replaced by T.
Protein change: p.Leu42=; no amino-acid change (leucine 42 retained).
Molecular consequence: synonymous variant. On other transcripts: 5 prime UTR variant (1), non-coding transcript variant (1).
Genome position (GRCh38, 1-based): chr7:4,781,259, C>T. VCF-style: chr7-4781259-C-T. GRCh37 (hg19) VCF-style: chr7-4820890-C-T.
Other names: c.126C>T, p.Leu42= (LRG_1247t1); c.-156C>T (NM_001364858.1).
Identifiers: ClinVar variation 446846 (VCV000446846.28), dbSNP rs146682319, ClinGen allele CA4137053.